The following is an entry in ClinVar:

ClinVar aggregate classification (germline): Uncertain significance (1 of 4 stars; one submission).

Conditions:
Colorectal cancer, susceptibility to, 12 (CRCS12). Also called: COLORECTAL CANCER, SUSCEPTIBILITY TO, ON CHROMOSOME 12q24. Identifiers: Orphanet 220460, MedGen C3554460, MONDO:0014038, OMIM 615083.

Submission:

Labcorp Genetics (formerly Invitae), Labcorp
Classification: Uncertain significance for Colorectal cancer, susceptibility to, 12. Last evaluated: 2019-10-31. Review status: criteria provided, single submitter. Criteria: Invitae Variant Classification Sherloc (09022015). Collection method: clinical testing. Allele origin: germline.
Comment: This variant results in a copy number gain of the genomic region encompassing the full coding sequence of the POLE gene. The boundaries of this event are unknown as they extend beyond the assayed region for this gene and therefore may encompass additional genes. As the precise location of this event is unknown, it may be in tandem or it may be located elsewhere in the genome. A similar whole copy number gain of POLE has not been reported in the literature in individuals with POLE-related conditions. In summary, the available evidence is currently insufficient to determine the role of this variant in disease. Therefore, it has been classified as a Variant of Uncertain Significance.

NC_000012.12:g.(?_132624687)_(132681289_?)dup

Gene: POLE (DNA polymerase epsilon, catalytic subunit; minus strand). Cytogenetic location: 12q24.33.
Variant type: Duplication.
Identifiers: ClinVar variation 830825 (VCV000830825.2).